The following is an entry in ClinVar:

ClinVar aggregate classification (germline): Benign/Likely benign. Review status: criteria provided, multiple submitters, no conflicts (2 of 4 stars). 5 submissions from 5 submitters: Benign (4); Likely benign (1). Last evaluated 2026-01-24.

Conditions:
Inborn genetic diseases. Identifiers: MedGen C0950123, MeSH D030342.
X-linked intellectual disability Cabezas type (MRXSC). Also called: CABEZAS SYNDROME; MENTAL RETARDATION, X-LINKED, SYNDROMIC 15; Intellectual developmental disorder, X-linked syndromic, Cabezas type. Identifiers: Orphanet 85289, Orphanet 85293, MedGen C1845861, MONDO:0010306, OMIM 300354.

Allele frequency attached by ClinVar (database versions not stated): 1000 Genomes Project 30x 0.00312; TOPMed 0.00399; gnomAD 0.00362 and 0.00390; gnomAD exomes 0.00036 and 0.00091; ESP Exome Variant Server 0.00435; ExAC 0.00124; 1000 Genomes Project 0.00265.
gnomAD v4.1: 815 of 1,195,173 alleles (0.068%); highest among the groups gnomAD compares: African/African-American, 1.3%; 4 homozygotes.

Submissions (5):

Labcorp Genetics (formerly Invitae), Labcorp
Classification: Benign for X-linked intellectual disability Cabezas type. Last evaluated: 2026-01-24. Review status: criteria provided, single submitter. Criteria: Invitae Variant Classification Sherloc (09022015). Collection method: clinical testing. Allele origin: germline.

ARUP Laboratories, Molecular Genetics and Genomics, ARUP Laboratories
Classification: Benign for X-linked intellectual disability Cabezas type. Last evaluated: 2025-03-13. Review status: criteria provided, single submitter. Criteria: ARUP Molecular Germline Variant Investigation Process 2024. Collection method: clinical testing. Allele origin: germline.

Blueprint Genetics
Classification: Likely benign. Last evaluated: 2024-11-01. Review status: criteria provided, single submitter. Criteria: ACMG Guidelines, 2015. Collection method: clinical testing. Allele origin: germline.

GeneDx
Classification: Benign. Last evaluated: 2018-02-06. Review status: criteria provided, single submitter. Criteria: GeneDx Variant Classification (06012015). Collection method: clinical testing. Allele origin: germline. Affected: yes.
Comment: This variant is considered likely benign or benign based on one or more of the following criteria: it is a conservative change, it occurs at a poorly conserved position in the protein, it is predicted to be benign by multiple in silico algorithms, and/or has population frequency not consistent with disease.

Ambry Genetics
Classification: Benign for Inborn genetic diseases. Last evaluated: 2017-06-09. Review status: criteria provided, single submitter. Criteria: Ambry Variant Classification Scheme 2023. Collection method: clinical testing. Allele origin: germline.

NM_001079872.2(CUL4B):c.2634G>A (p.Arg878=)

Gene: CUL4B (cullin 4B; minus strand). Cytogenetic location: Xq24.
Variant type: single nucleotide variant.
Coding change: c.2634G>A on transcript NM_001079872.2 (MANE Select); coding-DNA position 2634, G replaced by A.
Protein change: p.Arg878=; no amino-acid change (arginine 878 retained).
Molecular consequence: synonymous variant.
Genome position (GRCh38, 1-based): chrX:120,526,815, C>T on the plus strand (G>A on the coding strand, the complement: CUL4B is on the minus strand). VCF-style: chrX-120526815-C-T. GRCh37 (hg19) VCF-style: chrX-119660670-C-T.
Other names: c.2649G>A, p.Arg883= (NM_001330624.2); c.2100G>A, p.Arg700= (NM_001369145.1); c.2688G>A, p.Arg896= (NM_003588.4).
Identifiers: ClinVar variation 506496 (VCV000506496.14), dbSNP rs143580749, ClinGen allele CA10505393.
Genomic context (GRCh38, chrX:120,526,815, plus strand): 5'-AACATTCTATGCAATATAGTTGTACTGGTTTGGATTTTCTTTATCTCTTTCCATGTAGTC[C>T]CGGTCAATTAAAGATTCTATTCTCTTCTTAAGATCAGCAGGCTGTAAGAGAAGGCAAATT-3'
Protein context (NP_001073341.1, residues 868-888): LKKRIESLID[Arg878=]DYMERDKENP